The following is an entry in ClinVar:

NM_000553.6(WRN):c.3084G>C (p.Leu1028Phe)

Gene: WRN (WRN RecQ like helicase; plus strand). Cytogenetic location: 8p12.
Variant type: single nucleotide variant.
Coding change: c.3084G>C on transcript NM_000553.6 (MANE Select); coding-DNA position 3084, G replaced by C.
Protein change: p.Leu1028Phe; replaces leucine 1028 with phenylalanine.
Molecular consequence: missense variant.
Genome position (GRCh38, 1-based): chr8:31,141,546, G>C. VCF-style: chr8-31141546-G-C. GRCh37 (hg19) VCF-style: chr8-30999062-G-C.
Other names: short protein forms L1028F.
Identifiers: ClinVar variation 1442961 (VCV001442961.8), dbSNP rs1441989719, ClinGen allele CA370922264.

ClinVar aggregate classification (germline): Uncertain significance (1 of 4 stars; one submission).

Conditions:
Werner syndrome (WRN). Identifiers: Orphanet 902, MedGen C0043119, MONDO:0010196, OMIM 277700.

Submission:

Labcorp Genetics (formerly Invitae), Labcorp
Classification: Uncertain significance for Werner syndrome. Last evaluated: 2022-06-13. Review status: criteria provided, single submitter. Criteria: Invitae Variant Classification Sherloc (09022015). Collection method: clinical testing. Allele origin: germline.
Comment: In summary, the available evidence is currently insufficient to determine the role of this variant in disease. Therefore, it has been classified as a Variant of Uncertain Significance. Algorithms developed to predict the effect of missense changes on protein structure and function are either unavailable or do not agree on the potential impact of this missense change (SIFT: "Not Available"; PolyPhen-2: "Probably Damaging"; Align-GVGD: "Not Available"). This variant has not been reported in the literature in individuals affected with WRN-related conditions. This variant is not present in population databases (gnomAD no frequency). This sequence change replaces leucine, which is neutral and non-polar, with phenylalanine, which is neutral and non-polar, at codon 1028 of the WRN protein (p.Leu1028Phe).